The following is an entry in ClinVar:

NM_000540.3(RYR1):c.11992dup (p.Met3998fs)

Gene: RYR1 (ryanodine receptor 1; plus strand). Cytogenetic location: 19q13.2.
Variant type: Duplication.
Coding change: c.11992dup on transcript NM_000540.3 (MANE Select); coding-DNA position 11992, one base duplicated (A; older notation c.11992dupA).
Protein change: p.Met3998fs; shifts the reading frame from methionine 3998.
Molecular consequence: frameshift variant.
Genome position (GRCh38, 1-based): chr19:38,543,855, A duplicated. VCF-style (leftmost placement, unchanged base first): chr19-38543854-C-CA. GRCh37 (hg19) VCF-style: chr19-39034494-C-CA.
Other names: c.11977dup, p.Met3993fs (NM_001042723.2); short protein forms M3998fs, M3993fs.
Identifiers: ClinVar variation 2976813 (VCV002976813.3), dbSNP rs2514579552, ClinGen allele CA2740096889.
Genomic context (GRCh38, chr19:38,543,854, plus strand): 5'-GAGCCTGGCGCACAGTCGCCTATGGGACGCAGTGGTGGGATTCCTGCACGTGTTCGCCCA[C>CA]ATGATGATGAAGCTCGCTCAGGTTCGAGCCCCTCTGGTCTCCATCCACCTGCTTCCGGGC-3'

ClinVar aggregate classification (germline): Pathogenic (1 of 4 stars; one submission).

Conditions:
RYR1-related disorder. Also called: RYR1-related condition; RYR1-related disorders. Identifiers: MedGen CN239331.

Submission:

Labcorp Genetics (formerly Invitae), Labcorp
Classification: Pathogenic for RYR1-related disorder. Last evaluated: 2023-12-09. Review status: criteria provided, single submitter. Criteria: Invitae Variant Classification Sherloc (09022015). Collection method: clinical testing. Allele origin: germline.
Comment: This sequence change creates a premature translational stop signal (p.Met3998Asnfs*77) in the RYR1 gene. It is expected to result in an absent or disrupted protein product. Loss-of-function variants in RYR1 are known to be pathogenic (PMID: 23919265, 25960145, 28818389, 30611313). This variant is not present in population databases (gnomAD no frequency). This variant has not been reported in the literature in individuals affected with RYR1-related conditions. For these reasons, this variant has been classified as Pathogenic.

Literature cited by the submitters: PubMed 23919265; PubMed 25960145; PubMed 28818389; PubMed 30611313.